The following is an entry in ClinVar:

NM_000089.4(COL1A2):c.2372C>T (p.Ala791Val)

Gene: COL1A2 (collagen type I alpha 2 chain; plus strand). Cytogenetic location: 7q21.3.
Variant type: single nucleotide variant.
Coding change: c.2372C>T on transcript NM_000089.4 (MANE Select); coding-DNA position 2372, C replaced by T.
Protein change: p.Ala791Val; replaces alanine 791 with valine.
Molecular consequence: missense variant.
Genome position (GRCh38, 1-based): chr7:94,421,921, C>T. VCF-style: chr7-94421921-C-T. GRCh37 (hg19) VCF-style: chr7-94051233-C-T.
Other names: short protein forms A791V.
Identifiers: ClinVar variation 1348621 (VCV001348621.8), dbSNP rs1208084157, ClinGen allele CA368223807.
Genomic context (GRCh38, chr7:94,421,921, plus strand): 5'-GATGTTGACTGTGGAATTCTAATGTGCTTGGCTCTTAGGGTATGACTGGTTTCCCTGGTG[C>T]TGCTGGACGGACTGGTCCCCCAGGACCCTCTGTAAGTAAATCACTGTAAACGTGTCTTCA-3'
Protein context (NP_000080.2, residues 781-801): GPPGMTGFPG[Ala791Val]AGRTGPPGPS

ClinVar aggregate classification (germline): Uncertain significance (1 of 4 stars; one submission).

Conditions:
Osteogenesis imperfecta type I (OI1). Also called: OI, TYPE I; OSTEOGENESIS IMPERFECTA TARDA; OSTEOGENESIS IMPERFECTA WITH BLUE SCLERAE; Osteogenesis imperfecta type 1; Lobstein's Disease; Lobstein disease. Identifiers: Orphanet 216796, Orphanet 666, MedGen C0023931, MONDO:0008146, OMIM 166200. Disease mechanism: loss of function.
Ehlers-Danlos syndrome, classic type, 1 (EDSCL1). Also called: EHLERS-DANLOS SYNDROME, GRAVIS TYPE; EHLERS-DANLOS SYNDROME, SEVERE CLASSIC TYPE; Ehlers-Danlos syndrome, type 1; EDS I; Ehlers-Danlos Syndrome, Classic Type, COL5A1-Related. Identifiers: MedGen C0268335, MONDO:0019567, OMIM 130000.

Allele frequency attached by ClinVar (database versions not stated): gnomAD exomes 0.00003; TOPMed 0.00001; gnomAD 0.00001.
gnomAD v4.1: 26 of 1,614,016 alleles (0.0016%); highest among the groups gnomAD compares: Non-Finnish European, 0.0022%; no homozygotes.

Submission:

Labcorp Genetics (formerly Invitae), Labcorp
Classification: Uncertain significance for Osteogenesis imperfecta type I; Ehlers-Danlos syndrome, classic type, 1. Last evaluated: 2024-11-05. Review status: criteria provided, single submitter. Criteria: Invitae Variant Classification Sherloc (09022015). Collection method: clinical testing. Allele origin: germline.
Comment: This sequence change replaces alanine, which is neutral and non-polar, with valine, which is neutral and non-polar, at codon 791 of the COL1A2 protein (p.Ala791Val). This variant is not present in population databases (gnomAD no frequency). This variant has not been reported in the literature in individuals affected with COL1A2-related conditions. ClinVar contains an entry for this variant (Variation ID: 1348621). Invitae Evidence Modeling of protein sequence and biophysical properties (such as structural, functional, and spatial information, amino acid conservation, physicochemical variation, residue mobility, and thermodynamic stability) indicates that this missense variant is not expected to disrupt COL1A2 protein function with a negative predictive value of 80%. In summary, the available evidence is currently insufficient to determine the role of this variant in disease. Therefore, it has been classified as a Variant of Uncertain Significance.